The following is an entry in ClinVar:

ClinVar aggregate classification (germline): Uncertain significance (1 of 4 stars; one submission).

Submission:

GeneDx
Classification: Uncertain significance. Last evaluated: 2022-12-08. Review status: criteria provided, single submitter. Criteria: GeneDx Variant Classification Process June 2021. Collection method: clinical testing. Allele origin: germline. Affected: yes.
Comment: Not observed at significant frequency in large population cohorts (gnomAD); In silico analysis supports that this missense variant does not alter protein structure/function; Has not been previously published as pathogenic or benign to our knowledge

NM_022455.5(NSD1):c.3874T>A (p.Phe1292Ile)

Gene: NSD1 (nuclear receptor binding SET domain protein 1; plus strand). Cytogenetic location: 5q35.3.
Variant type: single nucleotide variant.
Coding change: c.3874T>A on transcript NM_022455.5 (MANE Select); coding-DNA position 3874, T replaced by A.
Protein change: p.Phe1292Ile; replaces phenylalanine 1292 with isoleucine.
Molecular consequence: missense variant.
Genome position (GRCh38, 1-based): chr5:177,235,898, T>A. VCF-style: chr5-177235898-T-A. GRCh37 (hg19) VCF-style: chr5-176662899-T-A.
Other names: c.3001T>A, p.Phe1001Ile (NM_001365684.2, NM_001409306.1, NM_001409307.1 and 3 more transcripts); c.3874T>A, p.Phe1292Ile (NM_001409301.1, NM_001409302.1, NM_001409303.1); c.3454T>A, p.Phe1152Ile (NM_001409304.1); c.3121T>A, p.Phe1041Ile (NM_001409305.1); short protein forms F1001I, F1041I, F1152I, F1292I.
Identifiers: ClinVar variation 2504762 (VCV002504762.1), dbSNP rs2480580900, ClinGen allele CA362338261.